The following is an entry in ClinVar:

NM_024753.5(TTC21B):c.2344G>C (p.Ala782Pro)

Gene: TTC21B (tetratricopeptide repeat domain 21B; minus strand). Cytogenetic location: 2q24.3.
Variant type: single nucleotide variant.
Coding change: c.2344G>C on transcript NM_024753.5 (MANE Select); coding-DNA position 2344, G replaced by C.
Protein change: p.Ala782Pro; replaces alanine 782 with proline.
Molecular consequence: missense variant.
Genome position (GRCh38, 1-based): chr2:165,911,444, C>G on the plus strand (G>C on the coding strand, the complement: TTC21B is on the minus strand). VCF-style: chr2-165911444-C-G. GRCh37 (hg19) VCF-style: chr2-166767954-C-G.
Other names: c.2344G>C (NM_024753.3); short protein forms A782P.
Identifiers: ClinVar variation 1466992 (VCV001466992.9), dbSNP rs752254910, ClinGen allele CA1941850.

ClinVar aggregate classification (germline): Uncertain significance. Review status: criteria provided, multiple submitters, no conflicts (2 of 4 stars). 2 submissions from 2 submitters: Uncertain significance (2). Last evaluated 2025-04-17.

Conditions:
Inborn genetic diseases. Identifiers: MedGen C0950123, MeSH D030342.
Jeune thoracic dystrophy. Also called: Jeune syndrome; Infantile thoracic dystrophy; Thoracic pelvic phalangeal dystrophy; Jeune's syndrome; Chondroectodermal dysplasia-like syndrome; Short-rib thoracic dysplasia. Identifiers: Orphanet 474, MedGen C0265275, MONDO:0018770.
Nephronophthisis. Also called: Juvenile Nephronophthisis. Identifiers: Orphanet 655, MedGen C0687120, MONDO:0019005, HP:0000090.

Allele frequency attached by ClinVar (database versions not stated): TOPMed below 0.00001; ExAC 0.00001; gnomAD exomes 0.00001.
gnomAD v4.1: 5 of 1,613,738 alleles (0.00031%); highest among the groups gnomAD compares: Admixed American, 0.0033%; no homozygotes.

Submissions (2):

Ambry Genetics
Classification: Uncertain significance for Inborn genetic diseases. Last evaluated: 2025-04-17. Review status: criteria provided, single submitter. Criteria: Ambry Variant Classification Scheme 2023. Collection method: clinical testing. Allele origin: germline.

Labcorp Genetics (formerly Invitae), Labcorp
Classification: Uncertain significance for Jeune thoracic dystrophy; Nephronophthisis. Last evaluated: 2022-03-21. Review status: criteria provided, single submitter. Criteria: Invitae Variant Classification Sherloc (09022015). Collection method: clinical testing. Allele origin: germline.
Comment: This sequence change replaces alanine, which is neutral and non-polar, with proline, which is neutral and non-polar, at codon 782 of the TTC21B protein (p.Ala782Pro). This variant is present in population databases (rs752254910, gnomAD 0.007%). This variant has not been reported in the literature in individuals affected with TTC21B-related conditions. Algorithms developed to predict the effect of missense changes on protein structure and function are either unavailable or do not agree on the potential impact of this missense change (SIFT: "Deleterious"; PolyPhen-2: "Probably Damaging"; Align-GVGD: "Class C0"). In summary, the available evidence is currently insufficient to determine the role of this variant in disease. Therefore, it has been classified as a Variant of Uncertain Significance.